The following is an entry in ClinVar:

NM_001379500.1(COL18A1):c.2767G>A (p.Glu923Lys)

Genes: COL18A1 (collagen type XVIII alpha 1 chain; plus strand), SLC19A1 (solute carrier family 19 member 1; minus strand). Cytogenetic location: 21q22.3.
Variant type: single nucleotide variant.
Coding change: c.2767G>A on transcript NM_001379500.1 (MANE Select); coding-DNA position 2767, G replaced by A.
Protein change: p.Glu923Lys; replaces glutamic acid 923 with lysine.
Molecular consequence: missense variant.
Genome position (GRCh38, 1-based): chr21:45,504,455, G>A. VCF-style: chr21-45504455-G-A. GRCh37 (hg19) VCF-style: chr21-46924369-G-A.
Other names: c.3307G>A, p.Glu1103Lys (NM_030582.4); c.4012G>A, p.Glu1338Lys (NM_130444.3); short protein forms E1103K, E1338K, E923K.
Identifiers: ClinVar variation 1371520 (VCV001371520.3), dbSNP rs372982447, ClinGen allele CA10067449.

ClinVar aggregate classification (germline): Uncertain significance (1 of 4 stars; one submission).

Allele frequency attached by ClinVar (database versions not stated): gnomAD 0.00003; TOPMed 0.00005; gnomAD exomes 0.00006 and 0.00007; ExAC 0.00010; ESP Exome Variant Server 0.00018; 1000 Genomes Project 0.00040; 1000 Genomes Project 30x 0.00078.
gnomAD v4.1: 88 of 1,611,288 alleles (0.0055%); highest among the groups gnomAD compares: South Asian, 0.024%; no homozygotes.

Submission:

Labcorp Genetics (formerly Invitae), Labcorp
Classification: Uncertain significance. Last evaluated: 2022-10-04. Review status: criteria provided, single submitter. Criteria: Invitae Variant Classification Sherloc (09022015). Collection method: clinical testing. Allele origin: germline.
Comment: This sequence change replaces glutamic acid, which is acidic and polar, with lysine, which is basic and polar, at codon 923 of the COL18A1 protein (p.Glu923Lys). This variant is present in population databases (rs372982447, gnomAD 0.02%). This variant has not been reported in the literature in individuals affected with COL18A1-related conditions. ClinVar contains an entry for this variant (Variation ID: 1371520). Experimental studies and prediction algorithms are not available or were not evaluated, and the functional significance of this variant is currently unknown. In summary, the available evidence is currently insufficient to determine the role of this variant in disease. Therefore, it has been classified as a Variant of Uncertain Significance.